The following is an entry in ClinVar:

ClinVar aggregate classification (germline): Likely benign. Review status: criteria provided, multiple submitters, no conflicts (2 of 4 stars). 3 submissions from 3 submitters: Likely benign (3). Last evaluated 2026-03-09.

Allele frequency attached by ClinVar (database versions not stated): gnomAD exomes 0.00002; TOPMed 0.00004; gnomAD 0.00005 and 0.00006.
gnomAD v4.1: 33 of 1,613,786 alleles (0.002%); highest among the groups gnomAD compares: East Asian, 0.0067%; no homozygotes.

Submissions (3):

Women's Health and Genetics/Laboratory Corporation of America, LabCorp
Classification: Likely benign. Last evaluated: 2026-03-09. Review status: criteria provided, single submitter. Criteria: LabCorp Variant Classification Summary - May 2015. Collection method: clinical testing. Allele origin: germline.

CeGaT Center for Human Genetics Tuebingen
Classification: Likely benign. Last evaluated: 2026-03-01. Review status: criteria provided, single submitter. Criteria: CeGaT Center For Human Genetics Tuebingen Variant Classification Criteria Version 2. Collection method: clinical testing. Allele origin: germline. Affected: yes. Observed: 1 variant allele.
Comment: PPP2R1A: BP4, BP7

Labcorp Genetics (formerly Invitae), Labcorp
Classification: Likely benign. Last evaluated: 2026-01-05. Review status: criteria provided, single submitter. Criteria: Invitae Variant Classification Sherloc (09022015). Collection method: clinical testing. Allele origin: germline.

NM_014225.6(PPP2R1A):c.414C>T (p.Gly138=)

Gene: PPP2R1A (protein phosphatase 2 scaffold subunit Aalpha; plus strand). Cytogenetic location: 19q13.41.
Variant type: single nucleotide variant.
Coding change: c.414C>T on transcript NM_014225.6 (MANE Select); coding-DNA position 414, C replaced by T.
Protein change: p.Gly138=; no amino-acid change (glycine 138 retained).
Molecular consequence: synonymous variant. On other transcripts: 5 prime UTR variant (1), non-coding transcript variant (1).
Genome position (GRCh38, 1-based): chr19:52,211,403, C>T. VCF-style: chr19-52211403-C-T. GRCh37 (hg19) VCF-style: chr19-52714656-C-T.
Other names: c.-124C>T (NM_001363656.2).
Identifiers: ClinVar variation 1510075 (VCV001510075.13), dbSNP rs763013618, ClinGen allele CA9621331.